The following is an entry in ClinVar:

NM_005327.7(HADH):c.497T>A (p.Phe166Tyr)

Gene: HADH (hydroxyacyl-CoA dehydrogenase; plus strand). Cytogenetic location: 4q25.
Variant type: single nucleotide variant.
Coding change: c.497T>A on transcript NM_005327.7 (MANE Select); coding-DNA position 497, T replaced by A.
Protein change: p.Phe166Tyr; replaces phenylalanine 166 with tyrosine.
Molecular consequence: missense variant.
Genome position (GRCh38, 1-based): chr4:108,019,617, T>A. VCF-style: chr4-108019617-T-A. GRCh37 (hg19) VCF-style: chr4-108940773-T-A.
Other names: c.497T>A (NM_005327.4); c.497T>A, p.Phe166Tyr (NM_001184705.4); c.509T>A, p.Phe170Tyr (NM_001331027.2); short protein forms F166Y, F170Y.
Identifiers: ClinVar variation 2145959 (VCV002145959.2), dbSNP rs1342966662, ClinGen allele CA357833053.

ClinVar aggregate classification (germline): Uncertain significance. Review status: criteria provided, multiple submitters, no conflicts (2 of 4 stars). 2 submissions from 2 submitters: Uncertain significance (2). Last evaluated 2024-07-02.

Conditions:
Inborn genetic diseases. Identifiers: MedGen C0950123, MeSH D030342.
Deficiency of 3-hydroxyacyl-CoA dehydrogenase. Also called: HADH DEFICIENCY; 3-hydroxyacyl-CoA dehydrogenase deficiency. Identifiers: Orphanet 309127, Orphanet 71212, MedGen C1291230, MONDO:0017715, OMIM 231530.

Allele frequency attached by ClinVar (database versions not stated): gnomAD exomes 0.00001.
gnomAD v4.1: 10 of 1,614,172 alleles (0.00062%); highest among the groups gnomAD compares: Non-Finnish European, 0.00085%; no homozygotes.

Submissions (2):

Ambry Genetics
Classification: Uncertain significance for Inborn genetic diseases. Last evaluated: 2024-07-02. Review status: criteria provided, single submitter. Criteria: Ambry Variant Classification Scheme 2023. Collection method: clinical testing. Allele origin: germline.

Labcorp Genetics (formerly Invitae), Labcorp
Classification: Uncertain significance for Deficiency of 3-hydroxyacyl-CoA dehydrogenase. Last evaluated: 2022-04-18. Review status: criteria provided, single submitter. Criteria: Invitae Variant Classification Sherloc (09022015). Collection method: clinical testing. Allele origin: germline.
Comment: This sequence change replaces phenylalanine, which is neutral and non-polar, with tyrosine, which is neutral and polar, at codon 166 of the HADH protein (p.Phe166Tyr). This variant is present in population databases (no rsID available, gnomAD 0.0009%). This variant has not been reported in the literature in individuals affected with HADH-related conditions. Algorithms developed to predict the effect of missense changes on protein structure and function are either unavailable or do not agree on the potential impact of this missense change (SIFT: "Deleterious"; PolyPhen-2: "Possibly Damaging"; Align-GVGD: "Class C15"). In summary, the available evidence is currently insufficient to determine the role of this variant in disease. Therefore, it has been classified as a Variant of Uncertain Significance.